The following is an entry in ClinVar:

ClinVar aggregate classification (germline): Benign/Likely benign. Review status: criteria provided, multiple submitters, no conflicts (2 of 4 stars). 4 submissions from 4 submitters: Benign (2); Likely benign (1). 1 of the submissions does not count toward it. Last evaluated 2025-02-18.

Conditions:
PRKAR1B-related disorder. Also called: PRKAR1B-related condition.

Allele frequency attached by ClinVar (database versions not stated): gnomAD exomes 0.00048 and 0.00097; ExAC 0.00305; 1000 Genomes Project 0.00359; 1000 Genomes Project 30x 0.00359; gnomAD 0.00372 and 0.00383; ESP Exome Variant Server 0.00378; TOPMed 0.00389.
gnomAD v4.1: 1,271 of 1,560,538 alleles (0.081%); highest among the groups gnomAD compares: African/African-American, 1.2%; 6 homozygotes.

Submissions (4):

Mayo Clinic Laboratories, Mayo Clinic
Classification: Benign. Last evaluated: 2025-02-18. Review status: criteria provided, single submitter. Criteria: ACMG Guidelines, 2015. Collection method: clinical testing. Allele origin: germline. Observed: 1 variant allele.
Comment: BS1, BS2, BP4, BP7

Blueprint Genetics
Classification: Likely benign. Last evaluated: 2024-11-25. Review status: criteria provided, single submitter. Criteria: ACMG Guidelines, 2015. Collection method: clinical testing. Allele origin: germline.

Labcorp Genetics (formerly Invitae), Labcorp
Classification: Benign. Last evaluated: 2019-12-31. Review status: criteria provided, single submitter. Criteria: Invitae Variant Classification Sherloc (09022015). Collection method: clinical testing. Allele origin: germline.

PreventionGenetics, part of Exact Sciences
Classification: Benign for PRKAR1B-related condition. Last evaluated: 2024-05-06. Review status: no assertion criteria provided. Collection method: clinical testing. Allele origin: germline. Not counted in ClinVar's aggregate classification.
Comment: This variant is classified as benign based on ACMG/AMP sequence variant interpretation guidelines (Richards et al. 2015 PMID: 25741868, with internal and published modifications).

NM_001164760.2(PRKAR1B):c.936C>T (p.Tyr312=)

Gene: PRKAR1B (protein kinase cAMP-dependent type I regulatory subunit beta; minus strand). Cytogenetic location: 7p22.3.
Variant type: single nucleotide variant.
Coding change: c.936C>T on transcript NM_001164760.2 (MANE Select); coding-DNA position 936, C replaced by T.
Protein change: p.Tyr312=; no amino-acid change (tyrosine 312 retained).
Molecular consequence: synonymous variant.
Genome position (GRCh38, 1-based): chr7:551,426, G>A on the plus strand (C>T on the coding strand, the complement: PRKAR1B is on the minus strand). VCF-style: chr7-551426-G-A. GRCh37 (hg19) VCF-style: chr7-591063-G-A.
Other names: p.Tyr312=; c.936C>T, p.Tyr312= (NM_001164758.2, NM_001164759.1, NM_001164761.2 and 2 more transcripts).
Identifiers: ClinVar variation 782256 (VCV000782256.7), dbSNP rs144431535, ClinGen allele CA4109883.